The following is an entry in ClinVar:

NM_001242896.3(DEPDC5):c.4204G>A (p.Val1402Ile)

Gene: DEPDC5 (DEP domain containing 5, GATOR1 subcomplex subunit; plus strand). Cytogenetic location: 22q12.3.
Variant type: single nucleotide variant.
Coding change: c.4204G>A on transcript NM_001242896.3 (MANE Select); coding-DNA position 4204, G replaced by A.
Protein change: p.Val1402Ile; replaces valine 1402 with isoleucine.
Molecular consequence: missense variant. On other transcripts: non-coding transcript variant (5).
Genome position (GRCh38, 1-based): chr22:31,897,482, G>A. VCF-style: chr22-31897482-G-A. GRCh37 (hg19) VCF-style: chr22-32293468-G-A.
Other names: c.4138G>A, p.Val1380Ile (NM_001363852.2, NM_001364320.2); c.3970G>A, p.Val1324Ile (NM_001363854.2, NM_001364319.2); c.4204G>A, p.Val1402Ile (NM_001364318.2); c.4120G>A, p.Val1374Ile (NM_001369901.1, NM_001369902.1); c.4111G>A, p.Val1371Ile (NM_001369903.1, NM_014662.6); c.4177G>A, p.Val1393Ile (NM_001136029.4); c.3904G>A, p.Val1302Ile (NM_001242897.2); short protein forms V1374I, V1324I, V1402I, V1302I, V1371I, V1393I, V1380I.
Identifiers: ClinVar variation 3692303 (VCV003692303.2).

ClinVar aggregate classification (germline): Uncertain significance (1 of 4 stars; one submission).

Conditions:
Familial focal epilepsy with variable foci (FPEVF). Identifiers: Orphanet 98820, MedGen C1858477, MONDO:0020310.

Submission:

Labcorp Genetics (formerly Invitae), Labcorp
Classification: Uncertain significance for Familial focal epilepsy with variable foci. Last evaluated: 2024-10-04. Review status: criteria provided, single submitter. Criteria: Invitae Variant Classification Sherloc (09022015). Collection method: clinical testing. Allele origin: germline.
Comment: This sequence change replaces valine, which is neutral and non-polar, with isoleucine, which is neutral and non-polar, at codon 1402 of the DEPDC5 protein (p.Val1402Ile). This variant is not present in population databases (gnomAD no frequency). This variant has not been reported in the literature in individuals affected with DEPDC5-related conditions. Experimental studies and prediction algorithms are not available or were not evaluated, and the functional significance of this variant is currently unknown. In summary, the available evidence is currently insufficient to determine the role of this variant in disease. Therefore, it has been classified as a Variant of Uncertain Significance.